The following is an entry in ClinVar:

NM_001205293.3(CACNA1E):c.2393A>G (p.Asn798Ser)

Gene: CACNA1E (calcium voltage-gated channel subunit alpha1 E; plus strand). Cytogenetic location: 1q25.3.
Variant type: single nucleotide variant.
Coding change: c.2393A>G on transcript NM_001205293.3 (MANE Select); coding-DNA position 2393, A replaced by G.
Protein change: p.Asn798Ser; replaces asparagine 798 with serine.
Molecular consequence: missense variant.
Genome position (GRCh38, 1-based): chr1:181,732,479, A>G. VCF-style: chr1-181732479-A-G. GRCh37 (hg19) VCF-style: chr1-181701615-A-G.
Other names: c.2393A>G, p.Asn798Ser (NM_000721.4); c.2336A>G, p.Asn779Ser (NM_001205294.2); short protein forms N779S, N798S.
Identifiers: ClinVar variation 3671361 (VCV003671361.2).

ClinVar aggregate classification (germline): Uncertain significance (1 of 4 stars; one submission).

Submission:

Labcorp Genetics (formerly Invitae), Labcorp
Classification: Uncertain significance. Last evaluated: 2025-03-25. Review status: criteria provided, single submitter. Criteria: Invitae Variant Classification Sherloc (09022015). Collection method: clinical testing. Allele origin: germline.
Comment: This sequence change replaces asparagine, which is neutral and polar, with serine, which is neutral and polar, at codon 798 of the CACNA1E protein (p.Asn798Ser). This variant is not present in population databases (gnomAD no frequency). This variant has not been reported in the literature in individuals affected with CACNA1E-related conditions. Invitae Evidence Modeling of protein sequence and biophysical properties (such as structural, functional, and spatial information, amino acid conservation, physicochemical variation, residue mobility, and thermodynamic stability) has been performed for this missense variant. However, the output from this modeling did not meet the statistical confidence thresholds required to predict the impact of this variant on CACNA1E protein function. In summary, the available evidence is currently insufficient to determine the role of this variant in disease. Therefore, it has been classified as a Variant of Uncertain Significance.